The following is an entry in ClinVar:

ClinVar aggregate classification (germline): Likely benign (1 of 4 stars; one submission).

Conditions:
SETX-related disorder. Also called: SETX-related condition; SETX-related disorders. Identifiers: MedGen CN239403.

Submission:

PreventionGenetics, part of Exact Sciences
Classification: Likely benign for SETX-related condition. Last evaluated: 2026-06-15. Review status: criteria provided, single submitter. Criteria: ACMG Guidelines, 2015. Collection method: clinical testing. Allele origin: germline.
Comment: This variant is classified as likely benign based on ACMG/AMP sequence variant interpretation guidelines (Richards et al. 2015 PMID: 25741868, with internal and published modifications).

NM_015046.7(SETX):c.5375-10T>G

Gene: SETX (senataxin; minus strand). Cytogenetic location: 9q34.13.
Variant type: single nucleotide variant.
Coding change: c.5375-10T>G on transcript NM_015046.7 (MANE Select); 10 bases into the intron before coding-DNA position 5375, T replaced by G.
Molecular consequence: intron variant.
Genome position (GRCh38, 1-based): chr9:132,300,813, A>C on the plus strand (T>G on the coding strand, the complement: SETX is on the minus strand). VCF-style: chr9-132300813-A-C. GRCh37 (hg19) VCF-style: chr9-135176200-A-C.
Other names: c.5375-10T>G (NM_001351528.2, NM_001351527.2).
Identifiers: ClinVar variation 4992232 (VCV004992232.1).
Genomic context (GRCh38, chr9:132,300,813, plus strand): 5'-CGTTTTCCTTTGGATAAAGCTGTTTAGCCAGTTCACATTCTTCCAGATAAACTATGAAAC[A>C]AGAAGAAGTCGGAATTCATATAACTCTAATAGAATTATTTTAAATAAGATTAACTTAAAA-3'